The following is an entry in ClinVar:

NM_001378454.1(ALMS1):c.5828G>T (p.Arg1943Leu)

Gene: ALMS1 (ALMS1 centrosome and basal body associated protein; plus strand). Cytogenetic location: 2p13.1.
Variant type: single nucleotide variant.
Coding change: c.5828G>T on transcript NM_001378454.1 (MANE Select); coding-DNA position 5828, G replaced by T.
Protein change: p.Arg1943Leu; replaces arginine 1943 with leucine.
Molecular consequence: missense variant.
Genome position (GRCh38, 1-based): chr2:73,452,355, G>T. VCF-style: chr2-73452355-G-T. GRCh37 (hg19) VCF-style: chr2-73679482-G-T.
Other names: c.5831G>T, p.Arg1944Leu (NM_015120.4); short protein forms R1944L, R1943L.
Identifiers: ClinVar variation 553000 (VCV000553000.18), dbSNP rs146669152, ClinGen allele CA1713948.
Genomic context (GRCh38, chr2:73,452,355, plus strand): 5'-TTCCTGGACAAGGTGACCGGAAGACTGAGATACCAACAGTACCTTTAAGTTACTACTCAC[G>T]TAGAGAGAAGCCCAGTGTTATCTCTCAACAGGAGTTGCCAGACAGTCATCTCACAGAAGA-3'
Protein context (NP_001365383.1, residues 1933-1953): IPTVPLSYYS[Arg1943Leu]REKPSVISQQ

ClinVar aggregate classification (germline): Conflicting classifications of pathogenicity. Review status: criteria provided, conflicting classifications (1 of 4 stars). 5 submissions from 5 submitters: Uncertain significance (3); Likely benign (1). 1 of the submissions does not count toward it. Last evaluated 2026-03-03.

Conditions:
Cardiovascular phenotype. Identifiers: MedGen CN230736.
Alstrom syndrome (ALMS). Identifiers: Orphanet 64, MedGen C0268425, MONDO:0008763, OMIM 203800.

Allele frequency attached by ClinVar (database versions not stated): ESP Exome Variant Server 0.00008; TOPMed 0.00009; 1000 Genomes Project 30x 0.00031; 1000 Genomes Project 0.00040.
gnomAD v4.1: 52 of 1,613,690 alleles (0.0032%); highest among the groups gnomAD compares: African/African-American, 0.057%; no homozygotes.

Submissions (5):

Women's Health and Genetics/Laboratory Corporation of America, LabCorp
Classification: Uncertain significance. Last evaluated: 2026-03-03. Review status: criteria provided, single submitter. Criteria: LabCorp Variant Classification Summary - May 2015. Collection method: clinical testing. Allele origin: germline.

Labcorp Genetics (formerly Invitae), Labcorp
Classification: Uncertain significance for Alstrom syndrome. Last evaluated: 2025-12-20. Review status: criteria provided, single submitter. Criteria: Invitae Variant Classification Sherloc (09022015). Collection method: clinical testing. Allele origin: germline.
Comment: This sequence change replaces arginine, which is basic and polar, with leucine, which is neutral and non-polar, at codon 1944 of the ALMS1 protein (p.Arg1944Leu). This variant is present in population databases (rs146669152, gnomAD 0.05%). This variant has not been reported in the literature in individuals affected with ALMS1-related conditions. ClinVar contains an entry for this variant (Variation ID: 553000). Experimental studies and prediction algorithms are not available or were not evaluated, and the functional significance of this variant is currently unknown. In summary, the available evidence is currently insufficient to determine the role of this variant in disease. Therefore, it has been classified as a Variant of Uncertain Significance.

GeneDx
Classification: Uncertain significance. Last evaluated: 2025-05-23. Review status: criteria provided, single submitter. Criteria: GeneDx Variant Classification Process June 2021. Collection method: clinical testing. Allele origin: germline. Affected: yes.
Comment: Has not been previously published as pathogenic or benign to our knowledge; In silico analysis suggests that this missense variant does not alter protein structure/function

Ambry Genetics
Classification: Likely benign for Cardiovascular phenotype. Last evaluated: 2024-05-16. Review status: criteria provided, single submitter. Criteria: Ambry Variant Classification Scheme 2023. Collection method: clinical testing. Allele origin: germline.

Counsyl
Classification: Uncertain significance for Alstrom syndrome. Last evaluated: 2017-08-02. Review status: no assertion criteria provided. Collection method: clinical testing. Allele origin: unknown. Not counted in ClinVar's aggregate classification.